The following is an entry in ClinVar:

NM_004991.4(MECOM):c.1970C>A (p.Ala657Asp)

Gene: MECOM (MDS1 and EVI1 complex locus; minus strand). Cytogenetic location: 3q26.2.
Variant type: single nucleotide variant.
Coding change: c.1970C>A on transcript NM_004991.4 (MANE Select); coding-DNA position 1970, C replaced by A.
Protein change: p.Ala657Asp; replaces alanine 657 with aspartic acid.
Molecular consequence: missense variant. On other transcripts: intron variant (2).
Genome position (GRCh38, 1-based): chr3:169,115,902, G>T on the plus strand (C>A on the coding strand, the complement: MECOM is on the minus strand). VCF-style: chr3-169115902-G-T. GRCh37 (hg19) VCF-style: chr3-168833690-G-T.
Other names: c.1601C>A, p.Ala534Asp (NM_001105077.4); c.1406C>A, p.Ala469Asp (NM_001105078.4, NM_001164000.2, NM_001205194.2 and 4 more transcripts); c.1409C>A, p.Ala470Asp (NM_001163999.2, NM_001366467.2, NM_001366468.2 and 1 more transcripts); c.1970C>A, p.Ala657Asp (NM_001366466.2); c.1133-135C>A (NM_001366473.2); c.569-135C>A (NM_001366474.2); short protein forms A469D, A657D, A470D, A534D.
Identifiers: ClinVar variation 4826710 (VCV004826710.1).

ClinVar aggregate classification (germline): Uncertain significance (1 of 4 stars; one submission).

Conditions:
Inborn genetic diseases. Identifiers: MedGen C0950123, MeSH D030342.

gnomAD v4.1: 1 of 1,614,076 alleles (0.000062%); highest among the groups gnomAD compares: Non-Finnish European, 0.000085%; no homozygotes.

Submission:

Ambry Genetics
Classification: Uncertain significance for Inborn genetic diseases. Last evaluated: 2026-03-06. Review status: criteria provided, single submitter. Criteria: Ambry Variant Classification Scheme 2023. Collection method: clinical testing. Allele origin: germline.
Comment: The p.A657D variant (also known as c.1970C>A), located in coding exon 8 of the MECOM gene, results from a C to A substitution at nucleotide position 1970. The alanine at codon 657 is replaced by aspartic acid, an amino acid with dissimilar properties. This amino acid position is conserved. In addition, the in silico prediction for this alteration is inconclusive. Based on the available evidence, the clinical significance of this variant remains unclear.